The following is an entry in ClinVar:

NM_000492.4(CFTR):c.366T>A (p.Tyr122Ter)

Gene: CFTR (CF transmembrane conductance regulator; plus strand). Cytogenetic location: 7q31.2.
Variant type: single nucleotide variant.
Coding change: c.366T>A on transcript NM_000492.4 (MANE Select); coding-DNA position 366, T replaced by A.
Protein change: p.Tyr122Ter; replaces tyrosine 122 with a stop codon.
Molecular consequence: nonsense.
Genome position (GRCh38, 1-based): chr7:117,530,991, T>A. VCF-style: chr7-117530991-T-A. GRCh37 (hg19) VCF-style: chr7-117171045-T-A.
Other names: short protein forms Y122*.
Identifiers: ClinVar variation 38833 (VCV000038833.18), dbSNP rs79660178, ClinGen allele CA328118.

ClinVar aggregate classification (germline): Pathogenic. Review status: reviewed by expert panel (3 of 4 stars). 8 submissions from 8 submitters: Pathogenic (1). 7 of the submissions do not count toward it. Last evaluated 2017-03-17.

Conditions:
CFTR-related disorder (CFTR-RD). Also called: CFTR-related disorders; CFTR-related condition. Identifiers: MedGen C5924204, MONDO:7770004.
Cystic fibrosis (CF). Also called: MUCOVISCIDOSIS. Identifiers: Orphanet 586, MedGen C0010674, MONDO:0009061, OMIM 219700. Disease mechanism: loss of function.

Submissions (8):

CFTR2
Classification: Pathogenic for Cystic fibrosis. Last evaluated: 2017-03-17. Review status: reviewed by expert panel. Criteria: Sosnay PR et al. (Nat Genet 2013). Collection method: research. Allele origin: germline. Affected: yes. Study: CFTR2.

Women's Health and Genetics/Laboratory Corporation of America, LabCorp
Classification: Pathogenic for Cystic fibrosis. Last evaluated: 2025-09-22. Review status: criteria provided, single submitter. Criteria: LabCorp Variant Classification Summary - May 2015. Collection method: clinical testing. Allele origin: germline. Not counted in ClinVar's aggregate classification.
Comment: Variant summary: CFTR c.366T>A (p.Tyr122X) results in a premature termination codon, predicted to cause a truncation of the encoded protein or absence of the protein due to nonsense mediated decay, which are commonly known mechanisms for disease. The variant was absent in 250902 control chromosomes. c.366T>A has been observed in multiple individuals affected with Cystic Fibrosis, including as a homozygous phenotype (e.g. Ho_2021). These data indicate that the variant is very likely to be associated with disease. The following publication has been ascertained in the context of this evaluation (PMID: 33427803). ClinVar contains an entry for this variant (Variation ID: 38833). Based on the evidence outlined above, the variant was classified as pathogenic.

Natera, Inc.
Classification: Pathogenic for CFTR-related disorders. Last evaluated: 2024-11-26. Review status: criteria provided, single submitter. Criteria: Natera Variant Classification Schema (03/2026). Collection method: clinical testing. Allele origin: germline. Not counted in ClinVar's aggregate classification.
Comment: The c.366T>A variant in CFTR is a nonsense variant predicted to introduce a stop codon at amino acid 122. This variant is expected to result in nonsense mediated decay, truncation, or a dysfunctional protein product. This variant is rare in the general population with a frequency below the threshold expected for the associated phenotype(s). This variant has been observed in one or more individuals affected with the associated recessive disease, as either homozygous or compound heterozygous with a second variant (PMID: 16596947). Given the available evidence, this variant is classified as Pathogenic.

Ambry Genetics
Classification: Pathogenic for Cystic fibrosis. Last evaluated: 2022-07-18. Review status: criteria provided, single submitter. Criteria: Ambry Variant Classification Scheme 2023. Collection method: clinical testing. Allele origin: germline. Not counted in ClinVar's aggregate classification.
Comment: The p.Y122* pathogenic mutation (also known as c.366T>A and p.Y122X), located in coding exon 4 of the CFTR gene, results from a T to A substitution at nucleotide position 366. This changes the amino acid from a tyrosine to a stop codon within coding exon 4. Another paper reported this as a founder mutation on the French Reunion Island in the Indian Ocean, where 30% of the cystic fibrosis patients studied were either homozygous for this mutation or compound heterozygous with the pathogenic p.F508del mutation (deltaF508) (Dugu&eacute;p&eacute;roux I et al. J Cyst Fibros, 2004 Aug;3:185-8). Functional in vitro studies found that cells carrying this pathogenic mutation had elevated sweat chloride levels and decreased lung function (Sosnay PR et al. Nat Genet, 2013 Oct;45:1160-7). In addition to the clinical data presented in the literature, this alteration is expected to result in loss of function by premature protein truncation or nonsense-mediated mRNA decay. As such, this alteration is interpreted as a disease-causing mutation.

CFTR-France
Classification: Pathogenic for cystic fibrosis. Last evaluated: 2018-01-29. Review status: criteria provided, single submitter. Criteria: Claustres M et al. (Hum Mutat 2017). Collection method: curation. Allele origin: germline. Affected: yes. Not counted in ClinVar's aggregate classification.

Counsyl
Classification: Pathogenic for Cystic fibrosis. Last evaluated: 2016-02-02. Review status: no assertion criteria provided. Collection method: clinical testing. Allele origin: unknown. Not counted in ClinVar's aggregate classification.

Diagnostic Laboratory, Department of Genetics, University Medical Center Groningen
Classification: Pathogenic. Review status: no assertion criteria provided. Collection method: clinical testing. Allele origin: germline. Affected: yes. Study: VKGL Data-share Consensus. Not counted in ClinVar's aggregate classification.

Joint Genome Diagnostic Labs from Nijmegen and Maastricht, Radboudumc and MUMC+
Classification: Pathogenic. Review status: no assertion criteria provided. Collection method: clinical testing. Allele origin: germline. Affected: yes. Study: VKGL Data-share Consensus. Not counted in ClinVar's aggregate classification.

Literature cited by the submitters: PubMed 33427803 (cited by Women's Health and Genetics/Laboratory Corporation of America, LabCorp); PubMed 16596947 (cited by Natera, Inc.); PubMed 1284471 (cited by Ambry Genetics); PubMed 15463906 (cited by Ambry Genetics); PubMed 23974870 (cited by Ambry Genetics).